The following is an entry in ClinVar:

ClinVar aggregate classification (germline): Conflicting classifications of pathogenicity. Review status: criteria provided, conflicting classifications (1 of 4 stars). 2 submissions from 2 submitters: Likely pathogenic (1); Uncertain significance (1). Last evaluated 2025-01-09.

Conditions:
Inborn genetic diseases. Identifiers: MedGen C0950123, MeSH D030342.

gnomAD v4.1: 38 of 1,614,040 alleles (0.0024%); highest among the groups gnomAD compares: Admixed American, 0.005%; no homozygotes.

Submissions (2):

Ambry Genetics
Classification: Uncertain significance for Inborn genetic diseases. Last evaluated: 2025-01-09. Review status: criteria provided, single submitter. Criteria: Ambry Variant Classification Scheme 2023. Collection method: clinical testing. Allele origin: germline.
Comment: The c.1190C>G (p.S397W) alteration is located in exon 9 (coding exon 9) of the TGM5 gene. This alteration results from a C to G substitution at nucleotide position 1190, causing the serine (S) at amino acid position 397 to be replaced by a tryptophan (W). Based on data from gnomAD, the G allele has an overall frequency of 0.002% (6/282848) total alleles studied. The highest observed frequency was 0.008% (2/24962) of African alleles. This amino acid position is not well conserved in available vertebrate species. The in silico prediction for this alteration is inconclusive. Based on insufficient or conflicting evidence, the clinical significance of this alteration remains unclear.

GeneDx
Classification: Likely pathogenic. Last evaluated: 2022-09-12. Review status: criteria provided, single submitter. Criteria: GeneDx Variant Classification Process June 2021. Collection method: clinical testing. Allele origin: germline. Affected: yes.
Comment: In silico analysis supports that this missense variant has a deleterious effect on protein structure/function; Not observed at significant frequency in large population cohorts (gnomAD); Has not been previously published as pathogenic or benign to our knowledge

NM_201631.4(TGM5):c.1190C>G (p.Ser397Trp)

Gene: TGM5 (transglutaminase 5; minus strand). Cytogenetic location: 15q15.2.
Variant type: single nucleotide variant.
Coding change: c.1190C>G on transcript NM_201631.4 (MANE Select); coding-DNA position 1190, C replaced by G.
Protein change: p.Ser397Trp; replaces serine 397 with tryptophan.
Molecular consequence: missense variant.
Genome position (GRCh38, 1-based): chr15:43,238,972, G>C on the plus strand (C>G on the coding strand, the complement: TGM5 is on the minus strand). VCF-style: chr15-43238972-G-C. GRCh37 (hg19) VCF-style: chr15-43531170-G-C.
Other names: c.944C>G, p.Ser315Trp (NM_004245.4); short protein forms S315W, S397W.
Identifiers: ClinVar variation 1700720 (VCV001700720.7), dbSNP rs764448893, ClinGen allele CA7521042.
Genomic context (GRCh38, chr15:43,238,972, plus strand): 5'-TGAAGCTTCTGCTCCTTCCCTCCCTGGACGAGCCAGGACATGCAGTCAGCATTCACCATC[G>C]AAAACACAAAGGGCGTGTCATAGTTCAGGTCCACTTCTCCTTCTTTGATGGCTCTGACAG-3'
Protein context (NP_963925.2, residues 387-407): DLNYDTPFVF[Ser397Trp]MVNADCMSWL